The following is an entry in ClinVar:

ClinVar aggregate classification (germline): Likely benign (1 of 4 stars; one submission).

Conditions:
SEMA3G-related disorder. Also called: SEMA3G-related condition.

gnomAD v4.1: 15 of 1,593,136 alleles (0.00094%); highest among the groups gnomAD compares: Non-Finnish European, 0.0013%; no homozygotes.

Submission:

PreventionGenetics, part of Exact Sciences
Classification: Likely benign for SEMA3G-related condition. Last evaluated: 2026-01-21. Review status: criteria provided, single submitter. Criteria: ACMG Guidelines, 2015. Collection method: clinical testing. Allele origin: germline.
Comment: This variant is classified as likely benign based on ACMG/AMP sequence variant interpretation guidelines (Richards et al. 2015 PMID: 25741868, with internal and published modifications).

NM_020163.3(SEMA3G):c.505C>A (p.Arg169=)

Gene: SEMA3G (semaphorin 3G; minus strand). Cytogenetic location: 3p21.1.
Variant type: single nucleotide variant.
Coding change: c.505C>A on transcript NM_020163.3 (MANE Select); coding-DNA position 505, C replaced by A.
Protein change: p.Arg169=; no amino-acid change (arginine 169 retained).
Molecular consequence: synonymous variant.
Genome position (GRCh38, 1-based): chr3:52,441,864, G>T on the plus strand (C>A on the coding strand, the complement: SEMA3G is on the minus strand). VCF-style: chr3-52441864-G-T. GRCh37 (hg19) VCF-style: chr3-52475880-G-T.
Identifiers: ClinVar variation 4988265 (VCV004988265.1).